The following is an entry in ClinVar:

NM_001034116.2(EIF2B4):c.498+4G>C

Gene: EIF2B4 (eukaryotic translation initiation factor 2B subunit delta; minus strand). Cytogenetic location: 2p23.3.
Variant type: single nucleotide variant.
Coding change: c.498+4G>C on transcript NM_001034116.2 (MANE Select); 4 bases into the intron after coding-DNA position 498, G replaced by C.
Molecular consequence: intron variant.
Genome position (GRCh38, 1-based): chr2:27,368,650, C>G on the plus strand (G>C on the coding strand, the complement: EIF2B4 is on the minus strand). VCF-style: chr2-27368650-C-G. GRCh37 (hg19) VCF-style: chr2-27591517-C-G.
Other names: c.405+4G>C (NM_001318967.2); c.495+4G>C (NM_015636.4); c.-95+4G>C (NM_001318969.2); c.453+4G>C (NM_001318966.2); c.558+4G>C (NM_172195.4); c.-88+4G>C (NM_001318968.2); c.561+4G>C (NM_001318965.2).
Identifiers: ClinVar variation 2093841 (VCV002093841.1), dbSNP rs370413772, ClinGen allele CA1576886.
Genomic context (GRCh38, chr2:27,368,650, plus strand): 5'-CCTTTCCTCCCTCCAGTCCATTTCCCTAGGCTCTTTCTAGCCAGGCACCAAACCCACTTC[C>G]TACCTGTTGACGCTCTGGTTTTTTAACAAGCCTTCTCAGAAGTAGGTCATCAACCTGAGG-3'

ClinVar aggregate classification (germline): Uncertain significance (1 of 4 stars; one submission).

Allele frequency attached by ClinVar (database versions not stated): ExAC 0.00001; gnomAD 0.00001; ESP Exome Variant Server 0.00008.
gnomAD v4.1: 1 of 1,614,086 alleles (0.000062%); highest among the groups gnomAD compares: Non-Finnish European, 0.000085%; no homozygotes.

Submission:

Labcorp Genetics (formerly Invitae), Labcorp
Classification: Uncertain significance. Last evaluated: 2022-02-08. Review status: criteria provided, single submitter. Criteria: Invitae Variant Classification Sherloc (09022015). Collection method: clinical testing. Allele origin: germline.
Comment: This sequence change falls in intron 5 of the EIF2B4 gene. It does not directly change the encoded amino acid sequence of the EIF2B4 protein. It affects a nucleotide within the consensus splice site. This variant is present in population databases (rs370413772, gnomAD 0.0009%). This variant has not been reported in the literature in individuals affected with EIF2B4-related conditions. Variants that disrupt the consensus splice site are a relatively common cause of aberrant splicing (PMID: 17576681, 9536098). Algorithms developed to predict the effect of sequence changes on RNA splicing suggest that this variant is not likely to affect RNA splicing. In summary, the available evidence is currently insufficient to determine the role of this variant in disease. Therefore, it has been classified as a Variant of Uncertain Significance.

Literature cited by the submitters: PubMed 17576681; PubMed 9536098.